The following is an entry in ClinVar:

NM_001367624.2(ZNF469):c.10658C>T (p.Pro3553Leu)

Gene: ZNF469 (zinc finger protein 469; plus strand). Cytogenetic location: 16q24.2.
Variant type: single nucleotide variant.
Coding change: c.10658C>T on transcript NM_001367624.2 (MANE Select); coding-DNA position 10658, C replaced by T.
Protein change: p.Pro3553Leu; replaces proline 3553 with leucine.
Molecular consequence: missense variant.
Genome position (GRCh38, 1-based): chr16:88,438,128, C>T. VCF-style: chr16-88438128-C-T. GRCh37 (hg19) VCF-style: chr16-88504536-C-T.
Other names: NM_001127464.1:c.10574C>T; short protein forms P3553L.
Identifiers: ClinVar variation 2182443 (VCV002182443.4), dbSNP rs1037365587, ClinGen allele CA286387058.

ClinVar aggregate classification (germline): Uncertain significance. Review status: criteria provided, multiple submitters, no conflicts (2 of 4 stars). 2 submissions from 2 submitters: Uncertain significance (2). Last evaluated 2025-01-16.

Conditions:
Cardiovascular phenotype. Identifiers: MedGen CN230736.

Allele frequency attached by ClinVar (database versions not stated): gnomAD 0.00001; gnomAD exomes 0.00002; TOPMed 0.00003; 1000 Genomes Project 30x 0.00016.
gnomAD v4.1: 25 of 1,550,404 alleles (0.0016%); highest among the groups gnomAD compares: African/African-American, 0.0055%; no homozygotes.

Submissions (2):

Ambry Genetics
Classification: Uncertain significance for Cardiovascular phenotype. Last evaluated: 2025-01-16. Review status: criteria provided, single submitter. Criteria: Ambry Variant Classification Scheme 2023. Collection method: clinical testing. Allele origin: germline.
Comment: The p.P3525L variant (also known as c.10574C>T), located in coding exon 2 of the ZNF469 gene, results from a C to T substitution at nucleotide position 10574. The proline at codon 3525 is replaced by leucine, an amino acid with similar properties. This amino acid position is conserved. In addition, this alteration is predicted to be tolerated by in silico analysis. Since supporting evidence is limited at this time, the clinical significance of this alteration remains unclear.

Labcorp Genetics (formerly Invitae), Labcorp
Classification: Uncertain significance. Last evaluated: 2022-05-13. Review status: criteria provided, single submitter. Criteria: Invitae Variant Classification Sherloc (09022015). Collection method: clinical testing. Allele origin: germline.
Comment: This sequence change replaces proline, which is neutral and non-polar, with leucine, which is neutral and non-polar, at codon 3525 of the ZNF469 protein (p.Pro3525Leu). The frequency data for this variant in the population databases is considered unreliable, as metrics indicate poor data quality at this position in the gnomAD database. This variant has not been reported in the literature in individuals affected with ZNF469-related conditions. Algorithms developed to predict the effect of missense changes on protein structure and function output the following: SIFT: "Tolerated"; PolyPhen-2: "Benign"; Align-GVGD: "Class C0". The leucine amino acid residue is found in multiple mammalian species, which suggests that this missense change does not adversely affect protein function. In summary, the available evidence is currently insufficient to determine the role of this variant in disease. Therefore, it has been classified as a Variant of Uncertain Significance.